The following is an entry in ClinVar:

ClinVar aggregate classification (germline): Uncertain significance (0 of 4 stars; one submission).

Conditions:
SEMA3B-related disorder. Also called: SEMA3B-related condition.

gnomAD v4.1: 22 of 1,536,314 alleles (0.0014%); highest among the groups gnomAD compares: African/African-American, 0.029%; no homozygotes.

Submission:

PreventionGenetics, part of Exact Sciences
Classification: Uncertain significance for SEMA3B-related condition. Last evaluated: 2024-04-30. Review status: no assertion criteria provided. Collection method: clinical testing. Allele origin: germline.
Comment: The SEMA3B c.1951G>A variant is predicted to result in the amino acid substitution p.Ala651Thr. To our knowledge, this variant has not been reported in the literature. This variant is reported in 0.023% of alleles in individuals of African descent in gnomAD. At this time, the clinical significance of this variant is uncertain due to the absence of conclusive functional and genetic evidence.

NM_001290060.2(SEMA3B):c.1936G>A (p.Ala646Thr)

Gene: SEMA3B (semaphorin 3B; plus strand). Cytogenetic location: 3p21.31.
Variant type: single nucleotide variant.
Coding change: c.1936G>A on transcript NM_001290060.2 (MANE Select); coding-DNA position 1936, G replaced by A.
Protein change: p.Ala646Thr; replaces alanine 646 with threonine.
Molecular consequence: missense variant. On other transcripts: non-coding transcript variant (1).
Genome position (GRCh38, 1-based): chr3:50,276,392, G>A. VCF-style: chr3-50276392-G-A. GRCh37 (hg19) VCF-style: chr3-50313823-G-A.
Other names: c.1933G>A, p.Ala645Thr (NM_001005914.3); c.1951G>A, p.Ala651Thr (NM_001290061.1); c.907G>A, p.Ala303Thr (NM_001290062.2, NM_001290063.2); c.1936G>A, p.Ala646Thr (NM_004636.4); short protein forms A303T, A645T, A646T, A651T.
Identifiers: ClinVar variation 3357725 (VCV003357725.1).